The following is an entry in ClinVar:

NM_206933.4(USH2A):c.10928A>T (p.His3643Leu)

Gene: USH2A (usherin; minus strand). Cytogenetic location: 1q41.
Variant type: single nucleotide variant.
Coding change: c.10928A>T on transcript NM_206933.4 (MANE Select); coding-DNA position 10928, A replaced by T.
Protein change: p.His3643Leu; replaces histidine 3643 with leucine.
Molecular consequence: missense variant.
Genome position (GRCh38, 1-based): chr1:215,779,854, T>A on the plus strand (A>T on the coding strand, the complement: USH2A is on the minus strand). VCF-style: chr1-215779854-T-A. GRCh37 (hg19) VCF-style: chr1-215953196-T-A.
Other names: short protein forms H3643L.
Identifiers: ClinVar variation 1930819 (VCV001930819.5), dbSNP rs772499596, ClinGen allele CA344833050.

ClinVar aggregate classification (germline): Uncertain significance (1 of 4 stars; one submission).

Submission:

Labcorp Genetics (formerly Invitae), Labcorp
Classification: Uncertain significance. Last evaluated: 2022-05-03. Review status: criteria provided, single submitter. Criteria: Invitae Variant Classification Sherloc (09022015). Collection method: clinical testing. Allele origin: germline.
Comment: In summary, the available evidence is currently insufficient to determine the role of this variant in disease. Therefore, it has been classified as a Variant of Uncertain Significance. Algorithms developed to predict the effect of missense changes on protein structure and function (SIFT, PolyPhen-2, Align-GVGD) all suggest that this variant is likely to be disruptive. This variant has not been reported in the literature in individuals affected with USH2A-related conditions. This variant is not present in population databases (gnomAD no frequency). This sequence change replaces histidine, which is basic and polar, with leucine, which is neutral and non-polar, at codon 3643 of the USH2A protein (p.His3643Leu).